The following is an entry in ClinVar:

NM_006397.3(RNASEH2A):c.800A>T (p.Lys267Met)

Gene: RNASEH2A (ribonuclease H2 subunit A; plus strand). Cytogenetic location: 19p13.13.
Variant type: single nucleotide variant.
Coding change: c.800A>T on transcript NM_006397.3 (MANE Select); coding-DNA position 800, A replaced by T.
Protein change: p.Lys267Met; replaces lysine 267 with methionine.
Molecular consequence: missense variant.
Genome position (GRCh38, 1-based): chr19:12,813,366, A>T. VCF-style: chr19-12813366-A-T. GRCh37 (hg19) VCF-style: chr19-12924180-A-T.
Other names: short protein forms K267M.
Identifiers: ClinVar variation 1377953 (VCV001377953.5), dbSNP rs1337243889, ClinGen allele CA404269724.

ClinVar aggregate classification (germline): Uncertain significance (1 of 4 stars; one submission).

Conditions:
Aicardi-Goutieres syndrome 4. Identifiers: Orphanet 51, MedGen C1835912, MONDO:0012472, OMIM 610333.

Allele frequency attached by ClinVar (database versions not stated): gnomAD 0.00001; TOPMed below 0.00001.
gnomAD v4.1: 1 of 1,614,056 alleles (0.000062%); highest among the groups gnomAD compares: Non-Finnish European, 0.000085%; no homozygotes.

Submission:

Labcorp Genetics (formerly Invitae), Labcorp
Classification: Uncertain significance for Aicardi-Goutieres syndrome 4. Last evaluated: 2021-09-24. Review status: criteria provided, single submitter. Criteria: Invitae Variant Classification Sherloc (09022015). Collection method: clinical testing. Allele origin: germline.
Comment: This sequence change replaces lysine with methionine at codon 267 of the RNASEH2A protein (p.Lys267Met). The lysine residue is weakly conserved and there is a moderate physicochemical difference between lysine and methionine. This variant is not present in population databases (ExAC no frequency). This variant has not been reported in the literature in individuals with RNASEH2A-related conditions. Algorithms developed to predict the effect of missense changes on protein structure and function (SIFT, PolyPhen-2, Align-GVGD) all suggest that this variant is likely to be tolerated, but these predictions have not been confirmed by published functional studies and their clinical significance is uncertain. In summary, the available evidence is currently insufficient to determine the role of this variant in disease. Therefore, it has been classified as a Variant of Uncertain Significance.